The following is an entry in ClinVar:

ClinVar aggregate classification (germline): Conflicting classifications of pathogenicity. Review status: criteria provided, conflicting classifications (1 of 4 stars). 2 submissions from 2 submitters: Likely pathogenic (1); Likely benign (1). Last evaluated 2024-06-07.

Conditions:
Mucopolysaccharidosis, MPS-II (MPS2). Also called: Mucopolysaccharidosis type 2; IDS deficiency; Sulfoiduronate sulfatase deficiency; SIDS deficiency; Mucopolysaccharidosis with skin involvement; Attenuated MPS (subtype; formerly known as mild MPS II). Identifiers: Orphanet 580, Orphanet 79388, MedGen C0026705, MONDO:0010674, OMIM 309900.

Submissions (3):

Laboratory of Diagnosis and Therapy of Lysosomal Disorders, University of Padova
Classification: Likely pathogenic for Mucopolysaccharidosis, MPS-II. Last evaluated: 2024-06-07. Review status: criteria provided, single submitter. Criteria: ACMG Guidelines, 2015. Collection method: literature only. Allele origin: germline. Affected: yes. Observed: 1 variant allele.
Comment: Absent from controls (or at low frequency) in gnomAD database (PM2_Moderate), Missense variant in a gene with a low rate of benign missense variation (PP2_Supporting), Patient’s phenotype or family history highly specific for the disease (PP4_Strong)

Classification method: ACMG Guidelines [PMID:25741868] with modifications

Genomic Research Center, Shahid Beheshti University of Medical Sciences
Classification: Likely benign for Mucopolysaccharidosis, MPS-II. Last evaluated: 2023-11-06. Review status: criteria provided, single submitter. Criteria: ACMG Guidelines, 2015. Collection method: clinical testing. Allele origin: inherited. Inheritance: Autosomal recessive inheritance. Affected: yes. Observed: 1 variant allele.

Dr. Peter K. Rogan Lab, Western University
No classification provided (evidence only). Condition: Nonpapillary renal cell carcinoma. Review status: no classification provided. Collection method: in vitro. Allele origin: not applicable. Functional consequence: skipped exon. Not counted in ClinVar's aggregate classification.

Literature cited by the submitters: PubMed 28844463 (cited by Laboratory of Diagnosis and Therapy of Lysosomal Disorders, University of Padova).

NM_000202.8(IDS):c.1099A>T (p.Thr367Ser)

Genes: IDS (iduronate 2-sulfatase; minus strand), LOC106050102 (IDS recombination region; plus strand). Cytogenetic location: Xq28.
Variant type: single nucleotide variant.
Coding change: c.1099A>T on transcript NM_000202.8 (MANE Select); coding-DNA position 1099, A replaced by T.
Protein change: p.Thr367Ser; replaces threonine 367 with serine.
Molecular consequence: missense variant.
Genome position (GRCh38, 1-based): chrX:149,487,006, T>A on the plus strand (A>T on the coding strand, the complement: IDS is on the minus strand). VCF-style: chrX-149487006-T-A. GRCh37 (hg19) VCF-style: chrX-148568537-T-A.
Other names: NC_000023.10:g.148568537T>A; c.829A>T, p.Thr277Ser (NM_001166550.4); short protein forms T367S, T277S.
Identifiers: ClinVar variation 437444 (VCV000437444.6), dbSNP rs1557338131, ClinGen allele CA414518836.